The following is an entry in ClinVar:

NM_000548.5(TSC2):c.5097G>C (p.Val1699=)

Gene: TSC2 (TSC complex subunit 2; plus strand). Cytogenetic location: 16p13.3.
Variant type: single nucleotide variant.
Coding change: c.5097G>C on transcript NM_000548.5 (MANE Select); coding-DNA position 5097, G replaced by C.
Protein change: p.Val1699=; no amino-acid change (valine 1699 retained).
Molecular consequence: synonymous variant.
Genome position (GRCh38, 1-based): chr16:2,088,076, G>C. VCF-style: chr16-2088076-G-C. GRCh37 (hg19) VCF-style: chr16-2138077-G-C.
Other names: c.4896G>C, p.Val1632= (NM_001077183.3); c.5028G>C, p.Val1676= (NM_001114382.3); c.4788G>C, p.Val1596= (NM_001318827.2); c.4752G>C, p.Val1584= (NM_001318829.2); c.4365G>C, p.Val1455= (NM_001318831.2); c.4929G>C, p.Val1643= (NM_001318832.2); c.4899G>C, p.Val1633= (NM_001363528.2); c.4965G>C, p.Val1655= (NM_001370404.1); and 2 more.
Identifiers: ClinVar variation 65147 (VCV000065147.22), dbSNP rs397515314, ClinGen allele CA021723.

ClinVar aggregate classification (germline): Benign/Likely benign. Review status: criteria provided, multiple submitters, no conflicts (2 of 4 stars). 9 submissions from 9 submitters: Benign (3); Likely benign (4). 2 of the submissions do not count toward it. Last evaluated 2026-08-07.

Conditions:
TSC2-related disorder. Also called: TSC2-Related Disorders; TSC2-related condition.
Hereditary cancer-predisposing syndrome. Also called: Hereditary Cancer Syndrome; Neoplastic Syndromes, Hereditary; Hereditary neoplastic syndrome; Tumor predisposition. Identifiers: Orphanet 140162, MedGen C0027672, MeSH D009386, MONDO:0015356.
Tuberous sclerosis syndrome (TSC). Also called: Tuberous Sclerosis Complex; Tuberous sclerosis. Identifiers: Orphanet 805, MedGen C0041341, MONDO:0001734.
Tuberous sclerosis 2 (TSC2). Identifiers: Orphanet 805, MedGen C1860707, MONDO:0013199, OMIM 613254.

Allele frequency attached by ClinVar (database versions not stated): gnomAD 0.00001; gnomAD exomes 0.00003 and 0.00004; ExAC 0.00007; TOPMed 0.00007.
gnomAD v4.1: 22 of 1,612,676 alleles (0.0014%); highest among the groups gnomAD compares: Admixed American, 0.027%; no homozygotes.

Submissions (9):

PreventionGenetics, part of Exact Sciences
Classification: Likely benign for TSC2-related condition. Last evaluated: 2026-08-07. Review status: criteria provided, single submitter. Criteria: ACMG Guidelines, 2015. Collection method: clinical testing. Allele origin: germline.
Comment: This variant is classified as likely benign based on ACMG/AMP sequence variant interpretation guidelines (Richards et al. 2015 PMID: 25741868, with internal and published modifications).

Labcorp Genetics (formerly Invitae), Labcorp
Classification: Benign for Tuberous sclerosis 2. Last evaluated: 2026-01-19. Review status: criteria provided, single submitter. Criteria: Invitae Variant Classification Sherloc (09022015). Collection method: clinical testing. Allele origin: germline.

Myriad Genetics, Inc.
Classification: Benign for Tuberous sclerosis 2. Last evaluated: 2025-06-06. Review status: criteria provided, single submitter. Criteria: Myriad Autosomal Dominant, Autosomal Recessive and X-Linked Classification Criteria (2023). Collection method: clinical testing. Allele origin: unknown.
Comment: This variant is considered benign. This variant is a silent/synonymous amino acid change and it is not expected to impact splicing.

All of Us Research Program, National Institutes of Health
Classification: Likely benign for Tuberous sclerosis syndrome. Last evaluated: 2024-02-05. Review status: criteria provided, single submitter. Criteria: ACMG Guidelines, 2015. Collection method: clinical testing. Allele origin: germline. Inheritance: Autosomal dominant inheritance. Observed: 5 variant alleles, 5 heterozygotes.
Comment: This study involves interpretation of variants in research participants for the purpose of population health screening. Participant phenotype was not available at the time of variant classification. Additional details can be found in publication PMID: 35346344, PMCID: PMC8962531

Color Diagnostics, LLC DBA Color Health
Classification: Likely benign for Tuberous sclerosis syndrome. Last evaluated: 2022-11-06. Review status: criteria provided, single submitter. Criteria: ACMG Guidelines, 2015. Collection method: clinical testing. Allele origin: germline.

Genome-Nilou Lab
Classification: Benign for Tuberous sclerosis 2. Last evaluated: 2021-11-07. Review status: criteria provided, single submitter. Criteria: ACMG Guidelines, 2015. Collection method: clinical testing. Allele origin: germline. Affected: no.

Ambry Genetics
Classification: Likely benign for Hereditary cancer-predisposing syndrome. Last evaluated: 2016-01-14. Review status: criteria provided, single submitter. Criteria: Ambry Variant Classification Scheme 2023. Collection method: clinical testing. Allele origin: germline.

Genetic Services Laboratory, University of Chicago
Classification: Likely benign. Last evaluated: 2022-08-26. Review status: no assertion criteria provided. Collection method: clinical testing. Allele origin: germline. Affected: no. Not counted in ClinVar's aggregate classification.

Tuberous sclerosis database (TSC2)
No classification provided. Condition: TSC. Review status: no classification provided. Criteria: Tuberous Sclerosis Database Assertion Criteria 2015. Collection method: curation. Allele origin: germline. Affected: yes. Not counted in ClinVar's aggregate classification.